The following is an entry in ClinVar:

NM_000540.3(RYR1):c.13120G>A (p.Val4374Met)

Gene: RYR1 (ryanodine receptor 1; plus strand). Cytogenetic location: 19q13.2.
Variant type: single nucleotide variant.
Coding change: c.13120G>A on transcript NM_000540.3 (MANE Select); coding-DNA position 13120, G replaced by A.
Protein change: p.Val4374Met; replaces valine 4374 with methionine.
Molecular consequence: missense variant.
Genome position (GRCh38, 1-based): chr19:38,565,454, G>A. VCF-style: chr19-38565454-G-A. GRCh37 (hg19) VCF-style: chr19-39056094-G-A.
Other names: c.13105G>A, p.Val4369Met (NM_001042723.2); short protein forms V4374M, V4369M.
Identifiers: ClinVar variation 852305 (VCV000852305.11), dbSNP rs1973363499, ClinGen allele CA405673558.
Genomic context (GRCh38, chr19:38,565,454, plus strand): 5'-GCGCTGGGCCTGCTCTGGGGCTCGCTGTTCGGCGGCGGCCTGGTGGAGGGCGCCAAGAAG[G>A]TGACGGTGACCGAGCTCCTGGCAGGCATGCCCGACCCCACCAGCGACGAGGTGCACGGCG-3'
Protein context (NP_000531.2, residues 4364-4384): GGGLVEGAKK[Val4374Met]TVTELLAGMP

ClinVar aggregate classification (germline): Uncertain significance. Review status: criteria provided, multiple submitters, no conflicts (2 of 4 stars). 4 submissions from 4 submitters: Uncertain significance (3). 1 of the submissions does not count toward it. Last evaluated 2026-07-02.

Conditions:
RYR1-related disorder. Also called: RYR1-related condition; RYR1-related disorders. Identifiers: MedGen CN239331.
Inborn genetic diseases. Identifiers: MedGen C0950123, MeSH D030342.

Allele frequency attached by ClinVar (database versions not stated): gnomAD 0.00001.
gnomAD v4.1: 2 of 1,500,368 alleles (0.00013%); highest among the groups gnomAD compares: African/African-American, 0.0015%; no homozygotes.

Submissions (4):

Ambry Genetics
Classification: Uncertain significance for Inborn genetic diseases. Last evaluated: 2026-07-02. Review status: criteria provided, single submitter. Criteria: Ambry Variant Classification Scheme 2023. Collection method: clinical testing. Allele origin: germline.
Comment: The p.V4374M variant (also known as c.13120G>A), located in coding exon 91 of the RYR1 gene, results from a G to A substitution at nucleotide position 13120. The valine at codon 4374 is replaced by methionine, an amino acid with highly similar properties. This amino acid position is conserved. In addition, this alteration is predicted to be tolerated by in silico analysis. Based on the available evidence, the clinical significance of this variant remains unclear.

Labcorp Genetics (formerly Invitae), Labcorp
Classification: Uncertain significance for RYR1-related disorder. Last evaluated: 2025-08-18. Review status: criteria provided, single submitter. Criteria: Invitae Variant Classification Sherloc (09022015). Collection method: clinical testing. Allele origin: germline.
Comment: This sequence change replaces valine, which is neutral and non-polar, with methionine, which is neutral and non-polar, at codon 4374 of the RYR1 protein (p.Val4374Met). This variant is not present in population databases (gnomAD no frequency). This variant has not been reported in the literature in individuals affected with RYR1-related conditions. ClinVar contains an entry for this variant (Variation ID: 852305). Invitae Evidence Modeling of protein sequence and biophysical properties (such as structural, functional, and spatial information, amino acid conservation, physicochemical variation, residue mobility, and thermodynamic stability) indicates that this missense variant is not expected to disrupt RYR1 protein function with a negative predictive value of 80%. In summary, the available evidence is currently insufficient to determine the role of this variant in disease. Therefore, it has been classified as a Variant of Uncertain Significance.

GeneDx
Classification: Uncertain significance. Last evaluated: 2023-11-22. Review status: criteria provided, single submitter. Criteria: GeneDx Variant Classification Process June 2021. Collection method: clinical testing. Allele origin: germline. Affected: yes.
Comment: Not observed at significant frequency in large population cohorts (gnomAD); In silico analysis supports that this missense variant does not alter protein structure/function; Has not been previously published as pathogenic or benign to our knowledge

PreventionGenetics, part of Exact Sciences
Classification: Uncertain significance for RYR1-related condition. Last evaluated: 2024-01-08. Review status: no assertion criteria provided. Collection method: clinical testing. Allele origin: germline. Not counted in ClinVar's aggregate classification.
Comment: The RYR1 c.13120G>A variant is predicted to result in the amino acid substitution p.Val4374Met. To our knowledge, this variant has not been reported in the literature or in a large population database, indicating this variant is rare. At this time, the clinical significance of this variant is uncertain due to the absence of conclusive functional and genetic evidence.